The following is an entry in ClinVar:

ClinVar aggregate classification (germline): Uncertain significance (1 of 4 stars; one submission).

Conditions:
Inborn genetic diseases. Identifiers: MedGen C0950123, MeSH D030342.

Submission:

Ambry Genetics
Classification: Uncertain significance for Inborn genetic diseases. Last evaluated: 2024-11-16. Review status: criteria provided, single submitter. Criteria: Ambry Variant Classification Scheme 2023. Collection method: clinical testing. Allele origin: germline.
Comment: The p.L23V variant (also known as c.67C>G), located in coding exon 1 of the LRRK2 gene, results from a C to G substitution at nucleotide position 67. The leucine at codon 23 is replaced by valine, an amino acid with highly similar properties. This amino acid position is conserved. In addition, the in silico prediction for this alteration is inconclusive. Based on the available evidence, the clinical significance of this variant remains unclear.

NM_198578.4(LRRK2):c.67C>G (p.Leu23Val)

Gene: LRRK2 (leucine rich repeat kinase 2; plus strand). Cytogenetic location: 12q12.
Variant type: single nucleotide variant.
Coding change: c.67C>G on transcript NM_198578.4 (MANE Select); coding-DNA position 67, C replaced by G.
Protein change: p.Leu23Val; replaces leucine 23 with valine.
Molecular consequence: missense variant.
Genome position (GRCh38, 1-based): chr12:40,225,198, C>G. VCF-style: chr12-40225198-C-G. GRCh37 (hg19) VCF-style: chr12-40619000-C-G.
Other names: short protein forms L23V.
Identifiers: ClinVar variation 3540793 (VCV003540793.1).